The following is an entry in ClinVar:

NM_001366385.1(CARD14):c.1594+4A>G

Gene: CARD14 (caspase recruitment domain family member 14; plus strand). Cytogenetic location: 17q25.3.
Variant type: single nucleotide variant.
Coding change: c.1594+4A>G on transcript NM_001366385.1 (MANE Select); 4 bases into the intron after coding-DNA position 1594, A replaced by G.
Molecular consequence: intron variant.
Genome position (GRCh38, 1-based): chr17:80,195,656, A>G. VCF-style: chr17-80195656-A-G. GRCh37 (hg19) VCF-style: chr17-78169455-A-G.
Other names: c.1594+4A>G (NM_024110.4, NM_001257970.1); c.883+4A>G (NM_052819.3).
Identifiers: ClinVar variation 1905311 (VCV001905311.5), dbSNP rs754070226, ClinGen allele CA8816879.

ClinVar aggregate classification (germline): Uncertain significance (1 of 4 stars; one submission).

Conditions:
Psoriasis 2. Identifiers: MedGen C1864497, MONDO:0011269, OMIM 602723.
Pityriasis rubra pilaris (PRP). Also called: Pityriasis rubra pilaris--familial type. Identifiers: Orphanet 2897, MedGen C0032027, MONDO:0100017, OMIM 173200, MONDO:0008251.

Allele frequency attached by ClinVar (database versions not stated): TOPMed below 0.00001; ExAC 0.00002.
gnomAD v4.1: 11 of 1,609,838 alleles (0.00068%); highest among the groups gnomAD compares: South Asian, 0.012%; no homozygotes.

Submission:

Labcorp Genetics (formerly Invitae), Labcorp
Classification: Uncertain significance for Pityriasis rubra pilaris; Psoriasis 2. Last evaluated: 2025-08-22. Review status: criteria provided, single submitter. Criteria: Invitae Variant Classification Sherloc (09022015). Collection method: clinical testing. Allele origin: germline.
Comment: This sequence change falls in intron 11 of the CARD14 gene. It does not directly change the encoded amino acid sequence of the CARD14 protein. It affects a nucleotide within the consensus splice site. This variant is present in population databases (rs754070226, gnomAD 0.02%). This variant has not been reported in the literature in individuals affected with CARD14-related conditions. ClinVar contains an entry for this variant (Variation ID: 1905311). Variants that disrupt the consensus splice site are a relatively common cause of aberrant splicing (PMID: 17576681, 9536098). Algorithms developed to predict the effect of sequence changes on RNA splicing suggest that this variant is not likely to affect RNA splicing. In summary, the available evidence is currently insufficient to determine the role of this variant in disease. Therefore, it has been classified as a Variant of Uncertain Significance.

Literature cited by the submitters: PubMed 17576681; PubMed 9536098.